The following is an entry in ClinVar:

NM_000435.3(NOTCH3):c.3718+5G>A

Gene: NOTCH3 (notch receptor 3; minus strand). Cytogenetic location: 19p13.12.
Variant type: single nucleotide variant.
Coding change: c.3718+5G>A on transcript NM_000435.3 (MANE Select); 5 bases into the intron after coding-DNA position 3718, G replaced by A.
Molecular consequence: intron variant.
Genome position (GRCh38, 1-based): chr19:15,179,020, C>T on the plus strand (G>A on the coding strand, the complement: NOTCH3 is on the minus strand). VCF-style: chr19-15179020-C-T. GRCh37 (hg19) VCF-style: chr19-15289831-C-T.
Other names: c.3718+5G>A (NM_000435.2).
Identifiers: ClinVar variation 2060163 (VCV002060163.5), dbSNP rs1568354708, ClinGen allele CA632128158.

ClinVar aggregate classification (germline): Uncertain significance. Review status: criteria provided, multiple submitters, no conflicts (2 of 4 stars). 2 submissions from 2 submitters: Uncertain significance (2). Last evaluated 2024-11-22.

Allele frequency attached by ClinVar (database versions not stated): gnomAD exomes below 0.00001; TOPMed 0.00001.
gnomAD v4.1: 7 of 1,614,230 alleles (0.00043%); highest among the groups gnomAD compares: Admixed American, 0.0083%; no homozygotes.

Submissions (2):

Athena Diagnostics
Classification: Uncertain significance. Last evaluated: 2024-11-22. Review status: criteria provided, single submitter. Criteria: Athena Diagnostics Criteria. Collection method: clinical testing. Allele origin: unknown.

Labcorp Genetics (formerly Invitae), Labcorp
Classification: Uncertain significance. Last evaluated: 2022-08-24. Review status: criteria provided, single submitter. Criteria: Invitae Variant Classification Sherloc (09022015). Collection method: clinical testing. Allele origin: germline.
Comment: This variant is present in population databases (no rsID available, gnomAD 0.01%). This sequence change falls in intron 22 of the NOTCH3 gene. It does not directly change the encoded amino acid sequence of the NOTCH3 protein. It affects a nucleotide within the consensus splice site. This variant has not been reported in the literature in individuals affected with NOTCH3-related conditions. In summary, the available evidence is currently insufficient to determine the role of this variant in disease. Therefore, it has been classified as a Variant of Uncertain Significance. Variants that disrupt the consensus splice site are a relatively common cause of aberrant splicing (PMID: 17576681, 9536098). Algorithms developed to predict the effect of sequence changes on RNA splicing suggest that this variant is not likely to affect RNA splicing.

Literature cited by the submitters: PubMed 17576681 (cited by Athena Diagnostics and Labcorp Genetics (formerly Invitae), Labcorp); PubMed 9536098 (cited by Athena Diagnostics and Labcorp Genetics (formerly Invitae), Labcorp).